The following is an entry in ClinVar:

NM_001012614.2(CTBP1):c.25A>C (p.Met9Leu)

Gene: CTBP1 (C-terminal binding protein 1; minus strand). Cytogenetic location: 4p16.3.
Variant type: single nucleotide variant.
Coding change: c.25A>C on transcript NM_001012614.2 (MANE Select); coding-DNA position 25, A replaced by C.
Protein change: p.Met9Leu; replaces methionine 9 with leucine.
Molecular consequence: missense variant.
Genome position (GRCh38, 1-based): chr4:1,238,320, T>G on the plus strand (A>C on the coding strand, the complement: CTBP1 is on the minus strand). VCF-style: chr4-1238320-T-G. GRCh37 (hg19) VCF-style: chr4-1232108-T-G.
Other names: c.58A>C, p.Met20Leu (NM_001328.3, NM_001377186.1); c.25A>C, p.Met9Leu (NM_001377187.1, NM_001377188.1, NM_001377189.1 and 4 more transcripts); short protein forms M20L, M9L.
Identifiers: ClinVar variation 2654560 (VCV002654560.24), dbSNP rs2535200249, ClinGen allele CA355961059.

ClinVar aggregate classification (germline): Uncertain significance (1 of 4 stars; one submission).

Allele frequency attached by ClinVar (database versions not stated): gnomAD exomes below 0.00001.
gnomAD v4.1: 1 of 1,578,036 alleles (0.000063%); highest among the groups gnomAD compares: Non-Finnish European, 0.000086%; no homozygotes.

Submission:

CeGaT Center for Human Genetics Tuebingen
Classification: Uncertain significance. Last evaluated: 2023-05-01. Review status: criteria provided, single submitter. Criteria: CeGaT Center For Human Genetics Tuebingen Variant Classification Criteria Version 2. Collection method: clinical testing. Allele origin: germline. Affected: yes. Observed: 1 variant allele.
Comment: CTBP1: PM2, PP2